The following is an entry in ClinVar:

ClinVar aggregate classification (germline): Uncertain significance (1 of 4 stars; one submission).

Conditions:
Hereditary cancer-predisposing syndrome. Also called: Hereditary neoplastic syndrome; Neoplastic Syndromes, Hereditary; Tumor predisposition; Hereditary Cancer Syndrome. Identifiers: Orphanet 140162, MedGen C0027672, MeSH D009386, MONDO:0015356.

Submission:

Ambry Genetics
Classification: Uncertain significance for Hereditary cancer-predisposing syndrome. Last evaluated: 2025-08-27. Review status: criteria provided, single submitter. Criteria: Ambry Variant Classification Scheme 2023. Collection method: clinical testing. Allele origin: germline.
Comment: The p.D89E variant (also known as c.267C>A), located in coding exon 3 of the MUTYH gene, results from a C to A substitution at nucleotide position 267. The aspartic acid at codon 89 is replaced by glutamic acid, an amino acid with highly similar properties. This amino acid position is conserved. In addition, this alteration is predicted to be tolerated by in silico analysis. Based on the available evidence, the clinical significance of this variant remains unclear.

NM_001048174.2(MUTYH):c.183C>A (p.Asp61Glu)

Gene: MUTYH (mutY DNA glycosylase; minus strand). Cytogenetic location: 1p34.1.
Variant type: single nucleotide variant.
Coding change: c.183C>A on transcript NM_001048174.2 (MANE Select); coding-DNA position 183, C replaced by A.
Protein change: p.Asp61Glu; replaces aspartic acid 61 with glutamic acid.
Molecular consequence: missense variant. On other transcripts: 5 prime UTR variant (6), non-coding transcript variant (7).
Genome position (GRCh38, 1-based): chr1:45,333,494, G>T on the plus strand (C>A on the coding strand, the complement: MUTYH is on the minus strand). VCF-style: chr1-45333494-G-T. GRCh37 (hg19) VCF-style: chr1-45799166-G-T.
Other names: c.183C>A, p.Asp61Glu (NM_001048171.2, NM_001407070.1, NM_001407072.1 and 6 more transcripts); c.-89C>A (NM_001350651.2, NM_001350650.2, NM_001407082.1); c.258C>A, p.Asp86Glu (NM_001407069.1, NM_012222.3); c.186C>A, p.Asp62Glu (NM_001407071.1, NM_001407078.1, NM_001048172.2 and 2 more transcripts); c.225C>A, p.Asp75Glu (NM_001407073.1, NM_001407083.1, NM_001407085.1); c.99C>A, p.Asp33Glu (NM_001407075.1); c.216C>A, p.Asp72Glu (NM_001407077.1, NM_001293191.2); c.267C>A, p.Asp89Glu (NM_001128425.2); and 3 more; short protein forms D89E, D61E, D72E, D75E, D33E, D86E, D62E, D68E.
Identifiers: ClinVar variation 4113559 (VCV004113559.1).
Genomic context (GRCh38, chr1:45,333,494, plus strand): 5'-CCGTTTCTCTTGGTCGTACCAGCTTAGCAGGCTCCCTCGGAAGGCTGTGACTTCAGCTAC[G>T]TCTCTGAATAGATGGTATGAGGAGACAGAGGCCTGCAATACCACCTCTTCCGGCTGCCTG-3'
Protein context (NP_001041639.1, residues 51-71): ASVSSYHLFR[Asp61Glu]VAEVTAFRGS